The following is an entry in ClinVar:

ClinVar aggregate classification (germline): Uncertain significance. Review status: criteria provided, multiple submitters, no conflicts (2 of 4 stars). 4 submissions from 4 submitters: Uncertain significance (4). Last evaluated 2025-11-05.

Conditions:
Dilated cardiomyopathy 1GG (CMD1GG). Identifiers: Orphanet 154, MedGen C3150898, MONDO:0013339, OMIM 613642.
Pheochromocytoma/paraganglioma syndrome 5. Also called: Paragangliomas 5; SDHA-Related Hereditary Paraganglioma-Pheochromocytoma Syndrome. Identifiers: Orphanet 29072, MedGen C3279992, MONDO:0013602, OMIM 614165.
Mitochondrial complex II deficiency, nuclear type 1. Also called: SUCCINATE CoQ REDUCTASE DEFICIENCY. Identifiers: Orphanet 3208, MedGen C5700310, MONDO:0100294, OMIM 252011.
Hereditary cancer-predisposing syndrome. Also called: Tumor predisposition; Hereditary neoplastic syndrome; Neoplastic Syndromes, Hereditary; Hereditary Cancer Syndrome. Identifiers: Orphanet 140162, MedGen C0027672, MeSH D009386, MONDO:0015356.

Allele frequency attached by ClinVar (database versions not stated): gnomAD 0.00001.
gnomAD v4.1: 5 of 1,459,536 alleles (0.00034%); highest among the groups gnomAD compares: East Asian, 0.0055%; no homozygotes.

Submissions (4):

Labcorp Genetics (formerly Invitae), Labcorp
Classification: Uncertain significance for Pheochromocytoma/paraganglioma syndrome 5; Mitochondrial complex II deficiency, nuclear type 1. Last evaluated: 2025-11-05. Review status: criteria provided, single submitter. Criteria: Invitae Variant Classification Sherloc (09022015). Collection method: clinical testing. Allele origin: germline.
Comment: This sequence change replaces valine, which is neutral and non-polar, with phenylalanine, which is neutral and non-polar, at codon 4 of the SDHA protein (p.Val4Phe). This variant is present in population databases (no rsID available, gnomAD 0.01%). This variant has not been reported in the literature in individuals affected with SDHA-related conditions. ClinVar contains an entry for this variant (Variation ID: 822169). Invitae Evidence Modeling of protein sequence and biophysical properties (such as structural, functional, and spatial information, amino acid conservation, physicochemical variation, residue mobility, and thermodynamic stability) indicates that this missense variant is not expected to disrupt SDHA protein function with a negative predictive value of 95%. In summary, the available evidence is currently insufficient to determine the role of this variant in disease. Therefore, it has been classified as a Variant of Uncertain Significance.

GeneDx
Classification: Uncertain significance. Last evaluated: 2025-06-04. Review status: criteria provided, single submitter. Criteria: GeneDx Variant Classification Process June 2021. Collection method: clinical testing. Allele origin: germline. Affected: yes.
Comment: Not observed at significant frequency in large population cohorts (gnomAD); In silico analysis suggests that this missense variant does not alter protein structure/function; Has not been previously published as pathogenic or benign to our knowledge

Ambry Genetics
Classification: Uncertain significance for Hereditary cancer-predisposing syndrome. Last evaluated: 2025-03-28. Review status: criteria provided, single submitter. Criteria: Ambry Variant Classification Scheme 2023. Collection method: clinical testing. Allele origin: germline.
Comment: The p.V4F variant (also known as c.10G>T), located in coding exon 1 of the SDHA gene, results from a G to T substitution at nucleotide position 10. The valine at codon 4 is replaced by phenylalanine, an amino acid with highly similar properties. This amino acid position is well conserved in available vertebrate species. In addition, this alteration is predicted to be tolerated by in silico analysis. Since supporting evidence is limited at this time, the clinical significance of this alteration remains unclear.

Baylor Genetics
Classification: Uncertain significance for Dilated cardiomyopathy 1GG. Last evaluated: 2024-01-22. Review status: criteria provided, single submitter. Criteria: ACMG Guidelines, 2015. Collection method: clinical testing. Allele origin: unknown.

NM_004168.4(SDHA):c.10G>T (p.Val4Phe)

Gene: SDHA (succinate dehydrogenase complex flavoprotein subunit A; plus strand). Cytogenetic location: 5p15.33.
Variant type: single nucleotide variant.
Coding change: c.10G>T on transcript NM_004168.4 (MANE Select); coding-DNA position 10, G replaced by T.
Protein change: p.Val4Phe; replaces valine 4 with phenylalanine.
Molecular consequence: missense variant.
Genome position (GRCh38, 1-based): chr5:218,365, G>T. VCF-style: chr5-218365-G-T. GRCh37 (hg19) VCF-style: chr5-218480-G-T.
Other names: c.10G>T, p.Val4Phe (NM_001294332.2, NM_001330758.2); short protein forms V4F.
Identifiers: ClinVar variation 822169 (VCV000822169.18), dbSNP rs778069799, ClinGen allele CA359007258.